The following is an entry in ClinVar:

NM_004836.7(EIF2AK3):c.495_498del (p.Asp165fs)

Gene: EIF2AK3 (eukaryotic translation initiation factor 2 alpha kinase 3; minus strand). Cytogenetic location: 2p11.2.
Variant type: Deletion.
Coding change: c.495_498del on transcript NM_004836.7 (MANE Select); coding-DNA positions 495 to 498, 4 bases deleted (CCAA; older notation c.495_498delCCAA).
Protein change: p.Asp165fs; shifts the reading frame from aspartic acid 165.
Molecular consequence: frameshift variant.
Genome position (GRCh38, 1-based): chr2:88,595,604-88,595,607, TTGG deleted on the plus strand (CCAA on the coding strand, the reverse complement: EIF2AK3 is on the minus strand); deleting any 4 consecutive bases within chr2:88,595,604-88,595,608 gives the same sequence; the c. name uses the placement nearest the transcript's 3' end. VCF-style (leftmost placement, unchanged base first): chr2-88595603-CTTGG-C. GRCh37 (hg19) VCF-style: chr2-88895121-CTTGG-C.
Other names: c.42_45del, p.Asp14fs (NM_001313915.2); short protein forms D14fs, D165fs.
Identifiers: ClinVar variation 1453040 (VCV001453040.6), dbSNP rs2104445982, ClinGen allele CA2573136022.
Genomic context (GRCh38, chr2:88,595,603, plus strand): 5'-TATAAGAAGATTCAAGAAGTGATTCAACTGTGAAAGGAACTGTTTCCATGCTTTCACGGT[CTTGG>C]TCCCACTGGAAGAGGGCTCCATCCAGGGAAGGAATGATCATCTTATTCCCAAATACCTAA-3'

ClinVar aggregate classification (germline): Pathogenic (1 of 4 stars; one submission).

Submission:

Labcorp Genetics (formerly Invitae), Labcorp
Classification: Pathogenic. Last evaluated: 2025-04-22. Review status: criteria provided, single submitter. Criteria: Invitae Variant Classification Sherloc (09022015). Collection method: clinical testing. Allele origin: germline.
Comment: This sequence change creates a premature translational stop signal (p.Asp165Glufs*35) in the EIF2AK3 gene. It is expected to result in an absent or disrupted protein product. Loss-of-function variants in EIF2AK3 are known to be pathogenic (PMID: 11997520). This variant is not present in population databases (gnomAD no frequency). This variant has not been reported in the literature in individuals affected with EIF2AK3-related conditions. ClinVar contains an entry for this variant (Variation ID: 1453040). For these reasons, this variant has been classified as Pathogenic.

Literature cited by the submitters: PubMed 11997520.